The following is an entry in ClinVar:

NM_004336.5(BUB1):c.2185G>A (p.Gly729Arg)

Gene: BUB1 (BUB1 mitotic checkpoint serine/threonine kinase; minus strand). Cytogenetic location: 2q13.
Variant type: single nucleotide variant.
Coding change: c.2185G>A on transcript NM_004336.5 (MANE Select); coding-DNA position 2185, G replaced by A.
Protein change: p.Gly729Arg; replaces glycine 729 with arginine.
Molecular consequence: missense variant.
Genome position (GRCh38, 1-based): chr2:110,650,564, C>T on the plus strand (G>A on the coding strand, the complement: BUB1 is on the minus strand). VCF-style: chr2-110650564-C-T. GRCh37 (hg19) VCF-style: chr2-111408141-C-T.
Other names: c.2125G>A, p.Gly709Arg (NM_001278616.2); c.2185G>A, p.Gly729Arg (NM_001278617.2); short protein forms G709R, G729R.
Identifiers: ClinVar variation 4804059 (VCV004804059.1).
Genomic context (GRCh38, chr2:110,650,564, plus strand): 5'-CTGTCCTGATTCAAGGGCATAACAAAGAGTGAGTGTTCGTACTTGGAGCATCAACAGTCC[C>T]AAGTGAACTCATCTGCATCCATTCTGCTTGGAGCCCAGCAATAGCATCTGGTGGATCTTC-3'
Protein context (NP_004327.1, residues 719-739): QAEWMQMSSL[Gly729Arg]TVDAPNFIVG

ClinVar aggregate classification (germline): Uncertain significance (1 of 4 stars; one submission).

gnomAD v4.1: 4 of 1,613,584 alleles (0.00025%); highest among the groups gnomAD compares: Admixed American, 0.0067%; no homozygotes.

Submission:

Labcorp Genetics (formerly Invitae), Labcorp
Classification: Uncertain significance. Last evaluated: 2025-05-13. Review status: criteria provided, single submitter. Criteria: Invitae Variant Classification Sherloc (09022015). Collection method: clinical testing. Allele origin: germline.
Comment: This sequence change replaces glycine, which is neutral and non-polar, with arginine, which is basic and polar, at codon 729 of the BUB1 protein (p.Gly729Arg). This variant is present in population databases (rs760577088, gnomAD 0.003%). This variant has not been reported in the literature in individuals affected with BUB1-related conditions. An algorithm developed to predict the effect of missense changes on protein structure and function outputs the following: PolyPhen-2: "Not Available". The arginine amino acid residue is found in multiple mammalian species, which suggests that this missense change does not adversely affect protein function. In summary, the available evidence is currently insufficient to determine the role of this variant in disease. Therefore, it has been classified as a Variant of Uncertain Significance.